The following is an entry in ClinVar:

ClinVar aggregate classification (germline): Likely pathogenic (1 of 4 stars; one submission).

Conditions:
Mucopolysaccharidosis, MPS-III-D (MPS3D). Also called: N-ACETYLGLUCOSAMINE-6-SULFATASE DEFICIENCY; SANFILIPPO SYNDROME D; MPS III D; Mucopoly-saccharidosis type 3D; N-acetylglucosamine-6-sulfate sulfatase deficiency; MPS 3D. Identifiers: Orphanet 581, Orphanet 79272, MedGen C0086650, MONDO:0009658, OMIM 252940.

Submission:

Labcorp Genetics (formerly Invitae), Labcorp
Classification: Likely pathogenic for Mucopolysaccharidosis, MPS-III-D. Last evaluated: 2023-02-25. Review status: criteria provided, single submitter. Criteria: Invitae Variant Classification Sherloc (09022015). Collection method: clinical testing. Allele origin: unknown.
Comment: This variant is a gross deletion of the genomic region encompassing exon(s) 11-14 of the GNS gene, which includes the termination codon. This deletion extends beyond the assayed region for this gene and therefore may encompass additional genes. While this deletion is not anticipated to lead to nonsense mediated decay, it is expected to alter mRNA translation or result in a truncated protein product. A similar copy number variant has been observed in individual(s) with MPS IIID (Invitae). In summary, the currently available evidence indicates that the variant is pathogenic, but additional data are needed to prove that conclusively. Therefore, this variant has been classified as Likely Pathogenic.

NC_000012.11:g.(?_65110521)_(65116913_?)del

Gene: GNS (glucosamine (N-acetyl)-6-sulfatase; minus strand). Cytogenetic location: 12q14.3.
Variant type: Deletion.
Identifiers: ClinVar variation 3244246 (VCV003244246.1).